The following is an entry in ClinVar:

ClinVar aggregate classification (germline): Uncertain significance (1 of 4 stars; one submission).

Conditions:
Cardiovascular phenotype. Identifiers: MedGen CN230736.

Submission:

Ambry Genetics
Classification: Uncertain significance for Cardiovascular phenotype. Last evaluated: 2021-08-07. Review status: criteria provided, single submitter. Criteria: Ambry Variant Classification Scheme 2023. Collection method: clinical testing. Allele origin: germline.
Comment: The p.F1528S variant (also known as c.4583T>C), located in coding exon 26 of the SCN10A gene, results from a T to C substitution at nucleotide position 4583. The phenylalanine at codon 1528 is replaced by serine, an amino acid with highly dissimilar properties. This amino acid position is conserved. In addition, this alteration is predicted to be deleterious by in silico analysis. Since supporting evidence is limited at this time, the clinical significance of this alteration remains unclear.

NM_006514.4(SCN10A):c.4583T>C (p.Phe1528Ser)

Gene: SCN10A (sodium voltage-gated channel alpha subunit 10; minus strand). Cytogenetic location: 3p22.2.
Variant type: single nucleotide variant.
Coding change: c.4583T>C on transcript NM_006514.4 (MANE Select); coding-DNA position 4583, T replaced by C.
Protein change: p.Phe1528Ser; replaces phenylalanine 1528 with serine.
Molecular consequence: missense variant.
Genome position (GRCh38, 1-based): chr3:38,701,913, A>G on the plus strand (T>C on the coding strand, the complement: SCN10A is on the minus strand). VCF-style: chr3-38701913-A-G. GRCh37 (hg19) VCF-style: chr3-38743404-A-G.
Other names: c.4580T>C, p.Phe1527Ser (NM_001293306.2); c.4289T>C, p.Phe1430Ser (NM_001293307.2); short protein forms F1430S, F1528S, F1527S.
Identifiers: ClinVar variation 1741657 (VCV001741657.2), dbSNP rs2470564715, ClinGen allele CA352145927.